The following is an entry in ClinVar:

NM_005245.4(FAT1):c.3934A>G (p.Lys1312Glu)

Gene: FAT1 (FAT atypical cadherin 1; minus strand). Cytogenetic location: 4q35.2.
Variant type: single nucleotide variant.
Coding change: c.3934A>G on transcript NM_005245.4 (MANE Select); coding-DNA position 3934, A replaced by G.
Protein change: p.Lys1312Glu; replaces lysine 1312 with glutamic acid.
Molecular consequence: missense variant.
Genome position (GRCh38, 1-based): chr4:186,636,623, T>C on the plus strand (A>G on the coding strand, the complement: FAT1 is on the minus strand). VCF-style: chr4-186636623-T-C. GRCh37 (hg19) VCF-style: chr4-187557777-T-C.
Other names: short protein forms K1312E.
Identifiers: ClinVar variation 1971995 (VCV001971995.5), dbSNP rs200317997, ClinGen allele CA3166864.

ClinVar aggregate classification (germline): Uncertain significance (1 of 4 stars; one submission).

Allele frequency attached by ClinVar (database versions not stated): gnomAD exomes below 0.00001; TOPMed below 0.00001; ExAC 0.00001; gnomAD 0.00001; 1000 Genomes Project 30x 0.00016; 1000 Genomes Project 0.00020.
gnomAD v4.1: 7 of 1,613,576 alleles (0.00043%); highest among the groups gnomAD compares: Non-Finnish European, 0.00059%; no homozygotes.

Submission:

Labcorp Genetics (formerly Invitae), Labcorp
Classification: Uncertain significance. Last evaluated: 2022-09-19. Review status: criteria provided, single submitter. Criteria: Invitae Variant Classification Sherloc (09022015). Collection method: clinical testing. Allele origin: germline.
Comment: This variant has not been reported in the literature in individuals affected with FAT1-related conditions. This variant is present in population databases (rs200317997, gnomAD 0.003%). This sequence change replaces lysine, which is basic and polar, with glutamic acid, which is acidic and polar, at codon 1312 of the FAT1 protein (p.Lys1312Glu). Algorithms developed to predict the effect of missense changes on protein structure and function are either unavailable or do not agree on the potential impact of this missense change (SIFT: "Deleterious"; PolyPhen-2: "Benign"; Align-GVGD: "Class C55"). In summary, the available evidence is currently insufficient to determine the role of this variant in disease. Therefore, it has been classified as a Variant of Uncertain Significance.